The following is an entry in ClinVar:

NM_005732.4(RAD50):c.1550C>A (p.Thr517Asn)

Gene: RAD50 (RAD50 double strand break repair protein; plus strand). Cytogenetic location: 5q31.1.
Variant type: single nucleotide variant.
Coding change: c.1550C>A on transcript NM_005732.4 (MANE Select); coding-DNA position 1550, C replaced by A.
Protein change: p.Thr517Asn; replaces threonine 517 with asparagine.
Molecular consequence: missense variant.
Genome position (GRCh38, 1-based): chr5:132,591,321, C>A. VCF-style: chr5-132591321-C-A. GRCh37 (hg19) VCF-style: chr5-131927013-C-A.
Other names: short protein forms T517N.
Identifiers: ClinVar variation 4824494 (VCV004824494.1).

ClinVar aggregate classification (germline): Uncertain significance (1 of 4 stars; one submission).

Conditions:
Hereditary cancer-predisposing syndrome. Also called: Neoplastic Syndromes, Hereditary; Hereditary neoplastic syndrome; Tumor predisposition; Hereditary Cancer Syndrome. Identifiers: Orphanet 140162, MedGen C0027672, MeSH D009386, MONDO:0015356.

Submission:

Ambry Genetics
Classification: Uncertain significance for Hereditary cancer-predisposing syndrome. Last evaluated: 2026-01-18. Review status: criteria provided, single submitter. Criteria: Ambry Variant Classification Scheme 2023. Collection method: clinical testing. Allele origin: germline.
Comment: The p.T517N variant (also known as c.1550C>A), located in coding exon 10 of the RAD50 gene, results from a C to A substitution at nucleotide position 1550. The threonine at codon 517 is replaced by asparagine, an amino acid with similar properties. This amino acid position is conserved. In addition, this alteration is predicted to be tolerated by in silico analysis. Based on the available evidence, the clinical significance of this variant remains unclear.